The following is an entry in ClinVar:

NM_002778.4(PSAP):c.875T>G (p.Val292Gly)

Gene: PSAP (prosaposin; minus strand). Cytogenetic location: 10q22.1.
Variant type: single nucleotide variant.
Coding change: c.875T>G on transcript NM_002778.4 (MANE Select); coding-DNA position 875, T replaced by G.
Protein change: p.Val292Gly; replaces valine 292 with glycine.
Molecular consequence: missense variant.
Genome position (GRCh38, 1-based): chr10:71,821,910, A>C on the plus strand (T>G on the coding strand, the complement: PSAP is on the minus strand). VCF-style: chr10-71821910-A-C. GRCh37 (hg19) VCF-style: chr10-73581667-A-C.
Other names: c.884T>G, p.Val295Gly (NM_001042465.3); c.881T>G, p.Val294Gly (NM_001042466.3); short protein forms V295G, V294G, V292G.
Identifiers: ClinVar variation 1424237 (VCV001424237.8), dbSNP rs758866050, ClinGen allele CA5547587.
Genomic context (GRCh38, chr10:71,821,910, plus strand): 5'-CCAGGACACAAAGTGACACCAGGTACCTTAATGGGCTCCACCAGTTCCAGGGCAGGGATG[A>C]CATTCTTGGAGGCCACTTTGGCGGGGACCAGAGTCTGCATGGGCATCTCTTTCACCTCAT-3'
Protein context (NP_002769.1, residues 282-302): LVPAKVASKN[Val292Gly]IPALELVEPI

ClinVar aggregate classification (germline): Uncertain significance. Review status: criteria provided, multiple submitters, no conflicts (2 of 4 stars). 3 submissions from 3 submitters: Uncertain significance (3). Last evaluated 2022-08-26.

Conditions:
Parkinson disease 24, autosomal dominant, susceptibility to. Identifiers: MedGen C5561969, MONDO:0859183, OMIM 619491.
Sphingolipid activator protein 1 deficiency. Also called: METACHROMATIC LEUKODYSTROPHY DUE TO CEREBROSIDE SULFATASE ACTIVATOR DEFICIENCY; Saposin B Deficiency; Metachromatic leukodystrophy due to saposin B deficiency. Identifiers: Orphanet 512, MedGen C0268262, MONDO:0009590, OMIM 249900.
Combined PSAP deficiency (PSAPD). Also called: Encephalopathy due to prosaposin deficiency; COMBINED SAP DEFICIENCY; PROSAPOSIN DEFICIENCY. Identifiers: Orphanet 139406, MedGen C2673635, MONDO:0012719, OMIM 611721.

Allele frequency attached by ClinVar (database versions not stated): gnomAD 0.00001; gnomAD exomes 0.00001; ExAC 0.00004.
gnomAD v4.1: 11 of 1,614,096 alleles (0.00068%); highest among the groups gnomAD compares: South Asian, 0.012%; no homozygotes.

Submissions (3):

Foundation for Research in Genetics and Endocrinology, FRIGE's Institute of Human Genetics
Classification: Uncertain significance for Combined PSAP deficiency. Last evaluated: 2022-08-26. Review status: criteria provided, single submitter. Criteria: ACMG Guidelines, 2015. Collection method: clinical testing. Allele origin: germline. Inheritance: Autosomal recessive inheritance. Affected: yes. Observed: 1 homozygote.
Comment: The homozygous variant for c.881T>G in exon 8 of PSAP gene was detected. This variant has not been reported in the 1000 genomes and has a MAF of 0.001% in the gnomAD database. The insilico predition is disease causing by FATHMM and Mut-Pred.

Labcorp Genetics (formerly Invitae), Labcorp
Classification: Uncertain significance for Sphingolipid activator protein 1 deficiency. Last evaluated: 2022-04-13. Review status: criteria provided, single submitter. Criteria: Invitae Variant Classification Sherloc (09022015). Collection method: clinical testing. Allele origin: germline.
Comment: This sequence change replaces valine, which is neutral and non-polar, with glycine, which is neutral and non-polar, at codon 292 of the PSAP protein (p.Val292Gly). This variant is present in population databases (rs758866050, gnomAD 0.01%). This variant has not been reported in the literature in individuals affected with PSAP-related conditions. Algorithms developed to predict the effect of missense changes on protein structure and function are either unavailable or do not agree on the potential impact of this missense change (SIFT: "Not Available"; PolyPhen-2: "Benign"; Align-GVGD: "Not Available"). In summary, the available evidence is currently insufficient to determine the role of this variant in disease. Therefore, it has been classified as a Variant of Uncertain Significance.

Neuberg Centre For Genomic Medicine, NCGM
Classification: Uncertain significance for Parkinson disease 24, autosomal dominant, susceptibility to. Review status: criteria provided, single submitter. Criteria: ACMG Guidelines, 2015. Collection method: clinical testing. Allele origin: germline. Inheritance: Autosomal dominant inheritance. Affected: yes.
Comment: The missense variant in c.884T>G (p.Val295Gly) in PSAP gene has not been reported previously as a pathogenic variant nor as a benign variant, to our knowledge. The p.Val295Gly variant is novel (not in any individuals) in 1000 Genomes and has allele frequency (0.001193%) in gnomAD database. The amino acid Val at position 295 is changed to a Gly changing protein sequence and it might alter its composition and physico-chemical properties. The variant is predicted to be damaging by both SIFT and PolyPhen2. The amino acid change p.Val295Gly in PSAP is predicted as conserved by GERP++ and PhyloP across 100 vertebrates. For these reasons, this variant has been classified as Uncertain Significance